The following is an entry in ClinVar:

ClinVar aggregate classification (germline): Likely pathogenic (1 of 4 stars; one submission).

Conditions:
Familial adenomatous polyposis 1 (FAP1). Also called: POLYPOSIS, ADENOMATOUS INTESTINAL; FAMILIAL ADENOMATOUS POLYPOSIS 1, ATTENUATED. Identifiers: MedGen C2713442, MONDO:0021056, OMIM 175100. Disease mechanism: loss of function.

Submission:

MVZ Medizinische Genetik Mainz
Classification: Likely pathogenic for Familial adenomatous polyposis 1. Last evaluated: 2023-05-16. Review status: criteria provided, single submitter. Criteria: UK Practice Guidelines For Variant Classification V4 01 2020. Collection method: clinical testing. Allele origin: germline. Inheritance: Autosomal dominant inheritance. Affected: yes. Observed: 1 variant allele.
Comment: ACMG Criteria: PVS1,PM2_SUP

NM_000038.6(APC):c.6239dup (p.Leu2080fs)

Gene: APC (APC regulator of Wnt signaling pathway; plus strand). Cytogenetic location: 5q22.2.
Variant type: Duplication.
Coding change: c.6239dup on transcript NM_000038.6 (MANE Select); coding-DNA position 6239, one base duplicated (T; older notation c.6239dupT).
Protein change: p.Leu2080fs; shifts the reading frame from leucine 2080.
Molecular consequence: frameshift variant. On other transcripts: non-coding transcript variant (2).
Genome position (GRCh38, 1-based): chr5:112,841,833, T duplicated; the last of 3 consecutive T bases (chr5:112,841,831-112,841,833); duplicating any one gives the same sequence. VCF-style (leftmost placement, unchanged base first): chr5-112841830-A-AT. GRCh37 (hg19) VCF-style: chr5-112177527-A-AT.
Other names: c.6239dup, p.Leu2080fs (NM_001127510.3, NM_001354895.2, NM_001407450.1); c.6185dup, p.Leu2062fs (NM_001127511.3); c.6293dup, p.Leu2098fs (NM_001354896.2, NM_001407447.1, NM_001407448.1 and 1 more transcripts); c.6269dup, p.Leu2090fs (NM_001354897.2); c.6164dup, p.Leu2055fs (NM_001354898.2); c.6155dup, p.Leu2052fs (NM_001354899.2); c.6116dup, p.Leu2039fs (NM_001354900.2); c.6062dup, p.Leu2021fs (NM_001354901.2, NM_001407453.1); and 11 more; short protein forms L1696fs, L1797fs, L1920fs, L1951fs, L1954fs, L1979fs, L1989fs, L1997fs.
Identifiers: ClinVar variation 3235960 (VCV003235960.1), dbSNP rs2533700332, ClinGen allele CA2825001385.